The following is an entry in ClinVar:

ClinVar aggregate classification (germline): Benign. Review status: criteria provided, multiple submitters, no conflicts (2 of 4 stars). 2 submissions from 2 submitters: Benign (2). Last evaluated 2018-01-13.

Conditions:
Corneal dystrophy. Identifiers: Orphanet 34533, MedGen C0010036, MONDO:0018102, HP:0001131.

Allele frequency attached by ClinVar (database versions not stated): gnomAD exomes 0.02169; ExAC 0.02626; gnomAD 0.06566 and 0.06969; 1000 Genomes Project 0.07288; ESP Exome Variant Server 0.07346; TOPMed 0.07374; 1000 Genomes Project 30x 0.07792.
gnomAD v4.1: 25,244 of 1,608,942 alleles (1.6%); highest among the groups gnomAD compares: African/African-American, 22%; 1,994 homozygotes.

Submissions (2):

Illumina Laboratory Services, Illumina
Classification: Benign for Corneal dystrophy. Last evaluated: 2018-01-13. Review status: criteria provided, single submitter. Criteria: ICSL Variant Classification Criteria 13 December 2019. Collection method: clinical testing. Allele origin: germline.
Comment: This variant was observed in the ICSL laboratory as part of a predisposition screen in an ostensibly healthy population. It had not been previously curated by ICSL or reported in the Human Gene Mutation Database (HGMD: prior to June 1st, 2018), and was therefore a candidate for classification through an automated scoring system. Utilizing variant allele frequency, disease prevalence and penetrance estimates, and inheritance mode, an automated score was calculated to assess if this variant is too frequent to cause the disease. Based on the score and internal cut-off values, a variant classified as benign is not then subjected to further curation. The score for this variant resulted in a classification of benign for this disease.

Breakthrough Genomics
Classification: Benign. Review status: criteria provided, single submitter. Criteria: ACMG Guidelines, 2015. Collection method: not provided. Allele origin: germline. Inheritance: Autosomal recessive inheritance. Affected: yes.

NM_001174089.2(SLC4A11):c.*34C>T

Gene: SLC4A11 (solute carrier family 4 member 11; minus strand). Cytogenetic location: 20p13.
Variant type: single nucleotide variant.
Coding change: c.*34C>T on transcript NM_001174089.2 (MANE Select); 34 bases downstream of the stop codon, C replaced by T.
Molecular consequence: 3 prime UTR variant. On other transcripts: non-coding transcript variant (1).
Genome position (GRCh38, 1-based): chr20:3,227,753, G>A on the plus strand (C>T on the coding strand, the complement: SLC4A11 is on the minus strand). VCF-style: chr20-3227753-G-A. GRCh37 (hg19) VCF-style: chr20-3208399-G-A.
Other names: c.*34C>T (NM_001174090.2, NM_001363745.2, NM_032034.4).
Identifiers: ClinVar variation 338231 (VCV000338231.6), dbSNP rs6051657, ClinGen allele CA9741393.